The following is an entry in ClinVar:

NM_000075.4(CDK4):c.479G>A (p.Gly160Asp)

Gene: CDK4 (cyclin dependent kinase 4; minus strand). Cytogenetic location: 12q14.1.
Variant type: single nucleotide variant.
Coding change: c.479G>A on transcript NM_000075.4 (MANE Select); coding-DNA position 479, G replaced by A.
Protein change: p.Gly160Asp; replaces glycine 160 with aspartic acid.
Molecular consequence: missense variant.
Genome position (GRCh38, 1-based): chr12:57,750,966, C>T on the plus strand (G>A on the coding strand, the complement: CDK4 is on the minus strand). VCF-style: chr12-57750966-C-T. GRCh37 (hg19) VCF-style: chr12-58144749-C-T.
Other names: short protein forms G160D.
Identifiers: ClinVar variation 1314881 (VCV001314881.2), dbSNP rs2140386403, ClinGen allele CA385546284.
Genomic context (GRCh38, chr12:57,750,966, plus strand): 5'-ACCATCTTTCTACTGACCACGGGTGTAAGTGCCATCTGGTAGCTGTAGATTCTGGCCAGG[C>T]CAAAGTCAGCCAGCTTGACTGTTCCACCACTTGTCACCAGAATGTTCTCTGGCTTCAGAT-3'
Protein context (NP_000066.1, residues 150-170): SGGTVKLADF[Gly160Asp]LARIYSYQMA

ClinVar aggregate classification (germline): Uncertain significance (1 of 4 stars; one submission).

Allele frequency attached by ClinVar (database versions not stated): gnomAD exomes below 0.00001.
gnomAD v4.1: 1 of 1,614,068 alleles (0.000062%); highest among the groups gnomAD compares: South Asian, 0.0011%; no homozygotes.

Submission:

GeneDx
Classification: Uncertain significance. Last evaluated: 2021-04-14. Review status: criteria provided, single submitter. Criteria: GeneDx Variant Classification Process June 2021. Collection method: clinical testing. Allele origin: germline. Affected: yes.
Comment: Not observed in large population cohorts (Lek 2016); In silico analysis supports that this missense variant has a deleterious effect on protein structure/function; Has not been previously published as pathogenic or benign to our knowledge